The following is an entry in ClinVar:

NM_031935.3(HMCN1):c.7493C>T (p.Thr2498Met)

Gene: HMCN1 (hemicentin 1; plus strand). Cytogenetic location: 1q31.1.
Variant type: single nucleotide variant.
Coding change: c.7493C>T on transcript NM_031935.3 (MANE Select); coding-DNA position 7493, C replaced by T.
Protein change: p.Thr2498Met; replaces threonine 2498 with methionine.
Molecular consequence: missense variant.
Genome position (GRCh38, 1-based): chr1:186,062,580, C>T. VCF-style: chr1-186062580-C-T. GRCh37 (hg19) VCF-style: chr1-186031712-C-T.
Other names: c.7493C>T (NM_031935.2); short protein forms T2498M.
Identifiers: ClinVar variation 2192842 (VCV002192842.5), dbSNP rs760153934, ClinGen allele CA1292852.

ClinVar aggregate classification (germline): Uncertain significance. Review status: criteria provided, multiple submitters, no conflicts (2 of 4 stars). 2 submissions from 2 submitters: Uncertain significance (2). Last evaluated 2025-05-13.

Allele frequency attached by ClinVar (database versions not stated): gnomAD 0.00003.
gnomAD v4.1: 32 of 1,611,594 alleles (0.002%); highest among the groups gnomAD compares: Admixed American, 0.0033%; no homozygotes.

Submissions (2):

Ambry Genetics
Classification: Uncertain significance. Last evaluated: 2025-05-13. Review status: criteria provided, single submitter. Criteria: Ambry Variant Classification Scheme 2023. Collection method: clinical testing. Allele origin: germline.

Labcorp Genetics (formerly Invitae), Labcorp
Classification: Uncertain significance. Last evaluated: 2023-04-14. Review status: criteria provided, single submitter. Criteria: Invitae Variant Classification Sherloc (09022015). Collection method: clinical testing. Allele origin: germline.
Comment: This variant has not been reported in the literature in individuals affected with HMCN1-related conditions. This variant is present in population databases (rs760153934, gnomAD 0.003%). This sequence change replaces threonine, which is neutral and polar, with methionine, which is neutral and non-polar, at codon 2498 of the HMCN1 protein (p.Thr2498Met). ClinVar contains an entry for this variant (Variation ID: 2192842). In summary, the available evidence is currently insufficient to determine the role of this variant in disease. Therefore, it has been classified as a Variant of Uncertain Significance. Algorithms developed to predict the effect of missense changes on protein structure and function output the following: SIFT: "Not Available"; PolyPhen-2: "Benign"; Align-GVGD: "Not Available". The methionine amino acid residue is found in multiple mammalian species, which suggests that this missense change does not adversely affect protein function.